The following is an entry in ClinVar:

ClinVar aggregate classification (germline): Uncertain significance. Review status: criteria provided, multiple submitters, no conflicts (2 of 4 stars). 3 submissions from 3 submitters: Uncertain significance (3). Last evaluated 2024-11-02.

Conditions:
Familial hemophagocytic lymphohistiocytosis 3 (FHL3). Also called: UNC13D-Related Familial Hemophagocytic Lymphohistiocytosis (UNC13D-fHLH). Identifiers: Orphanet 540, MedGen C1837174, MONDO:0012146, OMIM 608898.

Allele frequency attached by ClinVar (database versions not stated): gnomAD 0.00002 and 0.00003; gnomAD exomes 0.00002 and 0.00006; TOPMed 0.00006; ESP Exome Variant Server 0.00008; ExAC 0.00009; 1000 Genomes Project 30x 0.00016; 1000 Genomes Project 0.00020.
gnomAD v4.1: 37 of 1,613,954 alleles (0.0023%); highest among the groups gnomAD compares: Middle Eastern, 0.016%; 1 homozygote.

Submissions (3):

Labcorp Genetics (formerly Invitae), Labcorp
Classification: Uncertain significance for Familial hemophagocytic lymphohistiocytosis 3. Last evaluated: 2024-11-02. Review status: criteria provided, single submitter. Criteria: Invitae Variant Classification Sherloc (09022015). Collection method: clinical testing. Allele origin: germline.
Comment: This sequence change replaces arginine, which is basic and polar, with tryptophan, which is neutral and slightly polar, at codon 286 of the UNC13D protein (p.Arg286Trp). This variant is present in population databases (rs142618705, gnomAD 0.01%). This missense change has been observed in individual(s) with FHL3 (PMID: 33746956). ClinVar contains an entry for this variant (Variation ID: 533099). An algorithm developed to predict the effect of missense changes on protein structure and function outputs the following: PolyPhen-2: "Possibly Damaging". The tryptophan amino acid residue is found in multiple mammalian species, which suggests that this missense change does not adversely affect protein function. In summary, the available evidence is currently insufficient to determine the role of this variant in disease. Therefore, it has been classified as a Variant of Uncertain Significance.

Women's Health and Genetics/Laboratory Corporation of America, LabCorp
Classification: Uncertain significance. Last evaluated: 2024-05-13. Review status: criteria provided, single submitter. Criteria: LabCorp Variant Classification Summary - May 2015. Collection method: clinical testing. Allele origin: germline.
Comment: Variant summary: UNC13D c.856C>T (p.Arg286Trp) results in a non-conservative amino acid change in the encoded protein sequence. Four of five in-silico tools predict a damaging effect of the variant on protein function. Consensus agreement among computation tools predict no significant impact on normal splicing. However, these predictions have yet to be confirmed by functional studies. The variant allele was found at a frequency of 6e-05 in 250338 control chromosomes. This frequency is not significantly higher than estimated for a pathogenic variant in UNC13D causing Familial Hemophagocytic Lymphohistiocytosis (6e-05 vs 0.0027), allowing no conclusion about variant significance. c.856C>T has been reported in the literature as comound heterozygous in one individual affected with Familial Hemophagocytic Lymphohistiocytosis (Shabrish_2021). These data do not allow any conclusion about variant significance. To our knowledge, no experimental evidence demonstrating an impact on protein function has been reported. The following publication have been ascertained in the context of this evaluation (PMID: 33746956). ClinVar contains an entry for this variant (Variation ID: 533099). Based on the evidence outlined above, the variant was classified as uncertain significance.

Blueprint Genetics
Classification: Uncertain significance. Last evaluated: 2024-01-12. Review status: criteria provided, single submitter. Criteria: ACMG Guidelines, 2015. Collection method: clinical testing. Allele origin: germline.

Literature cited by the submitters: PubMed 33746956 (cited by Labcorp Genetics (formerly Invitae), Labcorp and Women's Health and Genetics/Laboratory Corporation of America, LabCorp).

NM_199242.3(UNC13D):c.856C>T (p.Arg286Trp)

Gene: UNC13D (unc-13 homolog D; minus strand). Cytogenetic location: 17q25.1.
Variant type: single nucleotide variant.
Coding change: c.856C>T on transcript NM_199242.3 (MANE Select); coding-DNA position 856, C replaced by T.
Protein change: p.Arg286Trp; replaces arginine 286 with tryptophan.
Molecular consequence: missense variant.
Genome position (GRCh38, 1-based): chr17:75,840,227, G>A on the plus strand (C>T on the coding strand, the complement: UNC13D is on the minus strand). VCF-style: chr17-75840227-G-A. GRCh37 (hg19) VCF-style: chr17-73836308-G-A.
Other names: short protein forms R286W.
Identifiers: ClinVar variation 533099 (VCV000533099.10), dbSNP rs142618705, ClinGen allele CA8773259.